The following continues an entry in ClinVar:

NM_000492.4(CFTR):c.2988G>A (p.Gln996=)

ClinVar aggregate classification (germline): Pathogenic. Pathogenic (1).

Submissions 11 to 15 of 15:

Myriad Genetics, Inc.
Classification: Pathogenic for Cystic fibrosis. Last evaluated: 2019-12-04. Review status: criteria provided, single submitter. Criteria: Myriad Women's Health Autosomal Recessive and X-Linked Classification Criteria (2019). Collection method: clinical testing. Allele origin: unknown. Not counted in ClinVar's aggregate classification.
Comment: NM_000492.3(CFTR):c.2988G>A(aka Q996=) is classified as pathogenic in the context of cystic fibrosis. Please note that Q996= is associated with a broad spectrum of disease, ranging from clinically asymptomatic to classic cystic fibrosis. Sources cited for classification include the following: PMID 23974870 and 16436646. Classification of NM_000492.3(CFTR):c.2988G>A(aka Q996=) is based on the following criteria: This is a well-established pathogenic variant in the literature that has been observed more frequently in patients with clinical diagnoses than in healthy populations. Please note: this variant was assessed in the context of healthy population screening.

Quest Diagnostics Nichols Institute San Juan Capistrano
Classification: Pathogenic. Last evaluated: 2019-02-05. Review status: criteria provided, single submitter. Criteria: Quest Diagnostics criteria. Collection method: clinical testing. Allele origin: germline. Not counted in ClinVar's aggregate classification.
Comment: The best available variant frequency is uninformative. Statistically enriched in patients compared to ethnically matched controls. Predicted to negatively affect a known splice site. Nucleotide conservation is uninformative. Assessment of experimental evidence suggests this variant results in abnormal protein function.

CFTR-France
Classification: Pathogenic for cystic fibrosis. Last evaluated: 2018-01-29. Review status: criteria provided, single submitter. Criteria: Claustres M et al. (Hum Mutat 2017). Collection method: curation. Allele origin: germline. Affected: yes. Not counted in ClinVar's aggregate classification.

Eurofins Ntd Llc (ga)
Classification: Pathogenic. Last evaluated: 2017-06-15. Review status: criteria provided, single submitter. Criteria: EGL Classification Definitions. Collection method: clinical testing. Allele origin: germline. Observed: 1 variant allele, 1 heterozygote. Not counted in ClinVar's aggregate classification.

Baylor Genetics
Classification: Pathogenic for Congenital bilateral aplasia of vas deferens from CFTR mutation; Cystic fibrosis. Review status: criteria provided, single submitter. Criteria: ACMG Guidelines, 2015. Collection method: clinical testing. Allele origin: germline. Not counted in ClinVar's aggregate classification.

Literature cited by the submitters: PubMed 16436646 (cited by 4 submitters); PubMed 23974870 (cited by 5 submitters); PubMed 17576681 (cited by Labcorp Genetics (formerly Invitae), Labcorp); PubMed 9536098 (cited by Labcorp Genetics (formerly Invitae), Labcorp); PubMed 25066652 (cited by 5 submitters); PubMed 34086412 (cited by Natera, Inc.); PubMed 11897641 (cited by Natera, Inc.); PubMed 26087176 (cited by Natera, Inc.); PubMed 7472820 (cited by 3 submitters); PubMed 12865275 (cited by Natera, Inc. and Women's Health and Genetics/Laboratory Corporation of America, LabCorp); PubMed 32935393 (cited by Mayo Clinic Laboratories, Mayo Clinic); PubMed 34099697 (cited by Mayo Clinic Laboratories, Mayo Clinic); PubMed 21796730 (cited by Women's Health and Genetics/Laboratory Corporation of America, LabCorp); PubMed 20932301 (cited by Women's Health and Genetics/Laboratory Corporation of America, LabCorp); PubMed 22975760 (cited by Quest Diagnostics Nichols Institute San Juan Capistrano); PubMed 21474639 (cited by Quest Diagnostics Nichols Institute San Juan Capistrano); PubMed 26014425 (cited by Quest Diagnostics Nichols Institute San Juan Capistrano); PubMed 26708955 (cited by Quest Diagnostics Nichols Institute San Juan Capistrano).